The following is an entry in ClinVar:

ClinVar aggregate classification (germline): Uncertain significance (1 of 4 stars; one submission).

Conditions:
Pyogenic arthritis-pyoderma gangrenosum-acne syndrome (PAPA). Also called: PAPA SYNDROME; FAMILIAL RECURRENT ARTHRITIS. Identifiers: Orphanet 69126, MedGen C1858361, MONDO:0011462, OMIM 604416.

Submission:

Labcorp Genetics (formerly Invitae), Labcorp
Classification: Uncertain significance for Pyogenic arthritis-pyoderma gangrenosum-acne syndrome. Last evaluated: 2021-12-30. Review status: criteria provided, single submitter. Criteria: Invitae Variant Classification Sherloc (09022015). Collection method: clinical testing. Allele origin: germline.
Comment: This sequence change replaces cysteine, which is neutral and slightly polar, with phenylalanine, which is neutral and non-polar, at codon 148 of the PSTPIP1 protein (p.Cys148Phe). This variant is not present in population databases (gnomAD no frequency). This variant has not been reported in the literature in individuals affected with PSTPIP1-related conditions. Algorithms developed to predict the effect of missense changes on protein structure and function are either unavailable or do not agree on the potential impact of this missense change (SIFT: "Deleterious"; PolyPhen-2: "Probably Damaging"; Align-GVGD: "Class C0"). In summary, the available evidence is currently insufficient to determine the role of this variant in disease. Therefore, it has been classified as a Variant of Uncertain Significance.

NM_003978.5(PSTPIP1):c.443G>T (p.Cys148Phe)

Gene: PSTPIP1 (proline-serine-threonine phosphatase interacting protein 1; plus strand). Cytogenetic location: 15q24.3.
Variant type: single nucleotide variant.
Coding change: c.443G>T on transcript NM_003978.5 (MANE Select); coding-DNA position 443, G replaced by T.
Protein change: p.Cys148Phe; replaces cysteine 148 with phenylalanine.
Molecular consequence: missense variant. On other transcripts: non-coding transcript variant (1).
Genome position (GRCh38, 1-based): chr15:77,028,579, G>T. VCF-style: chr15-77028579-G-T. GRCh37 (hg19) VCF-style: chr15-77320920-G-T.
Other names: c.443G>T, p.Cys148Phe (NM_001321135.2, NM_001411086.1); c.416G>T, p.Cys139Phe (NM_001321136.2); c.638G>T, p.Cys213Phe (NM_001321137.1); short protein forms C139F, C213F, C148F.
Identifiers: ClinVar variation 1926214 (VCV001926214.5), dbSNP rs2542826705, ClinGen allele CA393519795.